The following is an entry in ClinVar:

NM_001244008.2(KIF1A):c.430-286C>T

Gene: KIF1A (kinesin family member 1A; minus strand). Cytogenetic location: 2q37.3.
Variant type: single nucleotide variant.
Coding change: c.430-286C>T on transcript NM_001244008.2 (MANE Select); 286 bases into the intron before coding-DNA position 430, C replaced by T.
Molecular consequence: intron variant.
Genome position (GRCh38, 1-based): chr2:240,786,799, G>A on the plus strand (C>T on the coding strand, the complement: KIF1A is on the minus strand). VCF-style: chr2-240786799-G-A. GRCh37 (hg19) VCF-style: chr2-241726216-G-A.
Other names: c.430-286C>T (NM_001379653.1, NM_001379650.1, NM_001379645.1 and 20 more transcripts).
Identifiers: ClinVar variation 671855 (VCV000671855.1), dbSNP rs112108214, ClinGen allele CA68141547.

ClinVar aggregate classification (germline): Likely benign (1 of 4 stars; one submission).

gnomAD v4.1: 1,656 of 131,800 alleles (1.3%); highest among the groups gnomAD compares: Non-Finnish European, 2.1%; 102 homozygotes.

Submission:

GeneDx
Classification: Likely benign. Last evaluated: 2018-06-19. Review status: criteria provided, single submitter. Criteria: GeneDx Variant Classification (06012015). Collection method: clinical testing. Allele origin: germline. Affected: yes.
Comment: This variant is considered likely benign or benign based on one or more of the following criteria: it is a conservative change, it occurs at a poorly conserved position in the protein, it is predicted to be benign by multiple in silico algorithms, and/or has population frequency not consistent with disease.